The following is an entry in ClinVar:

NM_004525.3(LRP2):c.8569A>G (p.Thr2857Ala)

Gene: LRP2 (LDL receptor related protein 2; minus strand). Cytogenetic location: 2q31.1.
Variant type: single nucleotide variant.
Coding change: c.8569A>G on transcript NM_004525.3 (MANE Select); coding-DNA position 8569, A replaced by G.
Protein change: p.Thr2857Ala; replaces threonine 2857 with alanine.
Molecular consequence: missense variant.
Genome position (GRCh38, 1-based): chr2:169,198,795, T>C on the plus strand (A>G on the coding strand, the complement: LRP2 is on the minus strand). VCF-style: chr2-169198795-T-C. GRCh37 (hg19) VCF-style: chr2-170055305-T-C.
Other names: short protein forms T2857A.
Identifiers: ClinVar variation 2162121 (VCV002162121.1), dbSNP rs763191804, ClinGen allele CA1953825.
Genomic context (GRCh38, chr2:169,198,795, plus strand): 5'-ACAACATGCATCTCTGGAACGATAGAAAGAAAGCAGTTTTATCTTACTCACTGCAATAAG[T>C]AGGGTTTTCATCACTGTTATCTCCACAGTCATTGTCTCCGTCACACAAATAAACGCGAGG-3'
Protein context (NP_004516.2, residues 2847-2867): DCGDNSDENP[Thr2857Ala]YCTTHTCSSS

ClinVar aggregate classification (germline): Uncertain significance (1 of 4 stars; one submission).

Allele frequency attached by ClinVar (database versions not stated): TOPMed below 0.00001; gnomAD 0.00001; gnomAD exomes 0.00001; ExAC 0.00002.
gnomAD v4.1: 11 of 1,613,678 alleles (0.00068%); highest among the groups gnomAD compares: Non-Finnish European, 0.00068%; no homozygotes.

Submission:

Labcorp Genetics (formerly Invitae), Labcorp
Classification: Uncertain significance. Last evaluated: 2022-08-19. Review status: criteria provided, single submitter. Criteria: Invitae Variant Classification Sherloc (09022015). Collection method: clinical testing. Allele origin: germline.
Comment: This sequence change replaces threonine, which is neutral and polar, with alanine, which is neutral and non-polar, at codon 2857 of the LRP2 protein (p.Thr2857Ala). This variant is present in population databases (rs763191804, gnomAD 0.004%). This variant has not been reported in the literature in individuals affected with LRP2-related conditions. Advanced modeling of protein sequence and biophysical properties (such as structural, functional, and spatial information, amino acid conservation, physicochemical variation, residue mobility, and thermodynamic stability) performed at Invitae indicates that this missense variant is not expected to disrupt LRP2 protein function. In summary, the available evidence is currently insufficient to determine the role of this variant in disease. Therefore, it has been classified as a Variant of Uncertain Significance.